The following is an entry in ClinVar:

ClinVar aggregate classification (germline): Uncertain significance. Review status: criteria provided, multiple submitters, no conflicts (2 of 4 stars). 4 submissions from 4 submitters: Uncertain significance (3). 1 of the submissions does not count toward it. Last evaluated 2025-05-19.

Conditions:
Glycogen storage disease type III (GSD3). Also called: Cori disease; FORBES DISEASE. Identifiers: Orphanet 366, MedGen C0017922, MONDO:0009291, OMIM 232400.

Allele frequency attached by ClinVar (database versions not stated): gnomAD exomes 0.00005 and 0.00010; ExAC 0.00007; gnomAD 0.00007 and 0.00009.
gnomAD v4.1: 84 of 1,613,286 alleles (0.0052%); highest among the groups gnomAD compares: Non-Finnish European, 0.000085%; no homozygotes.

Submissions (4):

ARUP Laboratories, Molecular Genetics and Genomics, ARUP Laboratories
Classification: Uncertain significance. Last evaluated: 2025-05-19. Review status: criteria provided, single submitter. Criteria: ARUP Molecular Germline Variant Investigation Process 2024. Collection method: clinical testing. Allele origin: germline.
Comment: The AGL c.3026C>T; p.Ala1009Val variant (rs200129247), to our knowledge, is not reported in the medical literature but is reported in ClinVar (Variation ID: 456481). This variant is found in the Finnish European population with an allele frequency of 0.13% (32/25,116 alleles) in the Genome Aggregation Database (v2.1.1). Computational analyses are uncertain whether this variant is neutral or deleterious (REVEL: 0.371). Due to limited information, the clinical significance of this variant is uncertain at this time.

Blueprint Genetics
Classification: Uncertain significance. Last evaluated: 2023-03-23. Review status: criteria provided, single submitter. Criteria: ACMG Guidelines, 2015. Collection method: clinical testing. Allele origin: germline.

Labcorp Genetics (formerly Invitae), Labcorp
Classification: Uncertain significance for Glycogen storage disease type III. Last evaluated: 2022-07-20. Review status: criteria provided, single submitter. Criteria: Invitae Variant Classification Sherloc (09022015). Collection method: clinical testing. Allele origin: germline.
Comment: In summary, the available evidence is currently insufficient to determine the role of this variant in disease. Therefore, it has been classified as a Variant of Uncertain Significance. Algorithms developed to predict the effect of missense changes on protein structure and function (SIFT, PolyPhen-2, Align-GVGD) all suggest that this variant is likely to be tolerated. ClinVar contains an entry for this variant (Variation ID: 456481). This variant has not been reported in the literature in individuals affected with AGL-related conditions. This variant is present in population databases (rs200129247, gnomAD 0.1%). This sequence change replaces alanine, which is neutral and non-polar, with valine, which is neutral and non-polar, at codon 1009 of the AGL protein (p.Ala1009Val).

Natera, Inc.
Classification: Uncertain significance for Glycogen storage disease type III. Last evaluated: 2019-10-28. Review status: no assertion criteria provided. Collection method: clinical testing. Allele origin: germline. Not counted in ClinVar's aggregate classification.

NM_000642.3(AGL):c.3026C>T (p.Ala1009Val)

Gene: AGL (amylo-alpha-1,6-glucosidase and 4-alpha-glucanotransferase; plus strand). Cytogenetic location: 1p21.2.
Variant type: single nucleotide variant.
Coding change: c.3026C>T on transcript NM_000642.3 (MANE Select); coding-DNA position 3026, C replaced by T.
Protein change: p.Ala1009Val; replaces alanine 1009 with valine.
Molecular consequence: missense variant.
Genome position (GRCh38, 1-based): chr1:99,891,682, C>T. VCF-style: chr1-99891682-C-T. GRCh37 (hg19) VCF-style: chr1-100357238-C-T.
Other names: c.3026C>T, p.Ala1009Val (NM_000028.3, NM_000643.3, NM_000644.3 and 1 more transcripts); c.2978C>T, p.Ala993Val (NM_000646.3); c.3005C>T, p.Ala1002Val (NM_001425326.1); c.2825C>T, p.Ala942Val (NM_001425327.1); c.2822C>T, p.Ala941Val (NM_001425328.1); c.2687C>T, p.Ala896Val (NM_001425329.1); c.2648C>T, p.Ala883Val (NM_001425332.1); short protein forms A1009V, A993V, A1002V, A883V, A896V, A941V, A942V.
Identifiers: ClinVar variation 456481 (VCV000456481.16), dbSNP rs200129247, ClinGen allele CA966953.